The following is an entry in ClinVar:

ClinVar aggregate classification (germline): Uncertain significance (1 of 4 stars; one submission).

Allele frequency attached by ClinVar (database versions not stated): ExAC 0.00002; gnomAD exomes 0.00002; TOPMed 0.00008; gnomAD 0.00009 and 0.00010; ESP Exome Variant Server 0.00015; 1000 Genomes Project 30x 0.00016; 1000 Genomes Project 0.00020.
gnomAD v4.1: 46 of 1,614,162 alleles (0.0028%); highest among the groups gnomAD compares: African/African-American, 0.043%; no homozygotes.

Submission:

Labcorp Genetics (formerly Invitae), Labcorp
Classification: Uncertain significance. Last evaluated: 2024-10-16. Review status: criteria provided, single submitter. Criteria: Invitae Variant Classification Sherloc (09022015). Collection method: clinical testing. Allele origin: germline.
Comment: This sequence change replaces proline, which is neutral and non-polar, with leucine, which is neutral and non-polar, at codon 315 of the CDCA7 protein (p.Pro315Leu). This variant is present in population databases (rs148793964, gnomAD 0.02%). This variant has not been reported in the literature in individuals affected with CDCA7-related conditions. ClinVar contains an entry for this variant (Variation ID: 1409445). Invitae Evidence Modeling of protein sequence and biophysical properties (such as structural, functional, and spatial information, amino acid conservation, physicochemical variation, residue mobility, and thermodynamic stability) indicates that this missense variant is not expected to disrupt CDCA7 protein function with a negative predictive value of 80%. In summary, the available evidence is currently insufficient to determine the role of this variant in disease. Therefore, it has been classified as a Variant of Uncertain Significance.

NM_031942.5(CDCA7):c.944C>T (p.Pro315Leu)

Gene: CDCA7 (cell division cycle associated 7; plus strand). Cytogenetic location: 2q31.1.
Variant type: single nucleotide variant.
Coding change: c.944C>T on transcript NM_031942.5 (MANE Select); coding-DNA position 944, C replaced by T.
Protein change: p.Pro315Leu; replaces proline 315 with leucine.
Molecular consequence: missense variant.
Genome position (GRCh38, 1-based): chr2:173,365,501, C>T. VCF-style: chr2-173365501-C-T. GRCh37 (hg19) VCF-style: chr2-174230229-C-T.
Other names: c.707C>T, p.Pro236Leu (NM_145810.3); short protein forms P315L, P236L.
Identifiers: ClinVar variation 1409445 (VCV001409445.5), dbSNP rs148793964, ClinGen allele CA1971394.